The following is an entry in ClinVar:

ClinVar aggregate classification (germline): Benign (1 of 4 stars; one submission).

Allele frequency attached by ClinVar (database versions not stated): 1000 Genomes Project 30x 0.41864; 1000 Genomes Project 0.42093; TOPMed 0.42405; gnomAD 0.42864 and 0.43257.
gnomAD v4.1: 65,969 of 152,048 alleles (43%); highest among the groups gnomAD compares: South Asian, 52%; 14,785 homozygotes.

Submission:

GeneDx
Classification: Benign. Last evaluated: 2018-06-18. Review status: criteria provided, single submitter. Criteria: GeneDx Variant Classification (06012015). Collection method: clinical testing. Allele origin: germline. Affected: yes.
Comment: This variant is considered likely benign or benign based on one or more of the following criteria: it is a conservative change, it occurs at a poorly conserved position in the protein, it is predicted to be benign by multiple in silico algorithms, and/or has population frequency not consistent with disease.

NM_004287.5(GOSR2):c.337-308A>G

Genes: GOSR2 (golgi SNAP receptor complex member 2; plus strand), LRRC37A2 (leucine rich repeat containing 37 member A2). Cytogenetic location: 17q21.32.
Variant type: single nucleotide variant.
Coding change: c.337-308A>G on transcript NM_004287.5 (MANE Select); 308 bases into the intron before coding-DNA position 337, A replaced by G.
Molecular consequence: intron variant.
Genome position (GRCh38, 1-based): chr17:46,934,721, A>G. VCF-style: chr17-46934721-A-G. GRCh37 (hg19) VCF-style: chr17-45012087-A-G.
Other names: c.337-308A>G (NM_001321133.2, NM_054022.4, NM_001012511.3); c.283-308A>G (NM_001363851.2); c.282+2522A>G (NM_001321134.2); c.336+2522A>G (NM_001330252.2); c.334-308A>G (NM_001353114.2); c.333+2522A>G (NM_001353115.2, NM_001353116.2).
Identifiers: ClinVar variation 668839 (VCV000668839.1), dbSNP rs197926, ClinGen allele CA14404685.